The following is an entry in ClinVar:

NM_001004334.4(GPR179):c.2357T>C (p.Leu786Pro)

Gene: GPR179 (G protein-coupled receptor 179; minus strand). Cytogenetic location: 17q12.
Variant type: single nucleotide variant.
Coding change: c.2357T>C on transcript NM_001004334.4 (MANE Select); coding-DNA position 2357, T replaced by C.
Protein change: p.Leu786Pro; replaces leucine 786 with proline.
Molecular consequence: missense variant.
Genome position (GRCh38, 1-based): chr17:38,331,212, A>G on the plus strand (T>C on the coding strand, the complement: GPR179 is on the minus strand). VCF-style: chr17-38331212-A-G. GRCh37 (hg19) VCF-style: chr17-36487095-A-G.
Other names: c.2357T>C (NM_001004334.3); short protein forms L786P.
Identifiers: ClinVar variation 1518938 (VCV001518938.7), dbSNP rs560527223, ClinGen allele CA290105907.

ClinVar aggregate classification (germline): Uncertain significance. Review status: criteria provided, multiple submitters, no conflicts (2 of 4 stars). 3 submissions from 3 submitters: Uncertain significance (2). 1 of the submissions does not count toward it. Last evaluated 2024-01-29.

Conditions:
GPR179-related disorder. Also called: GPR179-related condition.

Allele frequency attached by ClinVar (database versions not stated): gnomAD exomes 0.00002; gnomAD 0.00003; ExAC 0.00004; 1000 Genomes Project 0.00040; 1000 Genomes Project 30x 0.00047.

Submissions (3):

Blueprint Genetics
Classification: Uncertain significance. Last evaluated: 2024-01-29. Review status: criteria provided, single submitter. Criteria: ACMG Guidelines, 2015. Collection method: clinical testing. Allele origin: germline.

Labcorp Genetics (formerly Invitae), Labcorp
Classification: Uncertain significance. Last evaluated: 2022-07-12. Review status: criteria provided, single submitter. Criteria: Invitae Variant Classification Sherloc (09022015). Collection method: clinical testing. Allele origin: germline.
Comment: This sequence change replaces leucine, which is neutral and non-polar, with proline, which is neutral and non-polar, at codon 786 of the GPR179 protein (p.Leu786Pro). This variant is present in population databases (rs560527223, gnomAD 0.004%). This variant has not been reported in the literature in individuals affected with GPR179-related conditions. ClinVar contains an entry for this variant (Variation ID: 1518938). Algorithms developed to predict the effect of missense changes on protein structure and function are either unavailable or do not agree on the potential impact of this missense change (SIFT: "Deleterious"; PolyPhen-2: "Possibly Damaging"; Align-GVGD: "Class C0"). In summary, the available evidence is currently insufficient to determine the role of this variant in disease. Therefore, it has been classified as a Variant of Uncertain Significance.

PreventionGenetics, part of Exact Sciences
Classification: Uncertain significance for GPR179-related condition. Last evaluated: 2024-06-30. Review status: no assertion criteria provided. Collection method: clinical testing. Allele origin: germline. Not counted in ClinVar's aggregate classification.
Comment: The GPR179 c.2357T>C variant is predicted to result in the amino acid substitution p.Leu786Pro. To our knowledge, this variant has not been reported in the literature. This variant is reported in 0.0039% of alleles in individuals of European (Non-Finnish) descent in gnomAD. At this time, the clinical significance of this variant is uncertain due to the absence of conclusive functional and genetic evidence.